The following is an entry in ClinVar:

ClinVar aggregate classification (germline): Uncertain significance (1 of 4 stars; one submission).

Conditions:
Noonan syndrome 9 (NS9). Identifiers: Orphanet 648, MedGen C4225282, MONDO:0014691, OMIM 616559.

Allele frequency attached by ClinVar (database versions not stated): ExAC 0.00001; gnomAD exomes below 0.00001; TOPMed below 0.00001.
gnomAD v4.1: 2 of 1,607,852 alleles (0.00012%); highest among the groups gnomAD compares: Admixed American, 0.0034%; no homozygotes.

Submission:

Labcorp Genetics (formerly Invitae), Labcorp
Classification: Uncertain significance for Noonan syndrome 9. Last evaluated: 2025-01-11. Review status: criteria provided, single submitter. Criteria: Invitae Variant Classification Sherloc (09022015). Collection method: clinical testing. Allele origin: germline.
Comment: This sequence change falls in intron 9 of the SOS2 gene. It does not directly change the encoded amino acid sequence of the SOS2 protein. It affects a nucleotide within the consensus splice site. This variant is present in population databases (rs769785470, gnomAD 0.006%). This variant has not been reported in the literature in individuals affected with SOS2-related conditions. ClinVar contains an entry for this variant (Variation ID: 2719700). Variants that disrupt the consensus splice site are a relatively common cause of aberrant splicing (PMID: 17576681, 9536098). Algorithms developed to predict the effect of sequence changes on RNA splicing suggest that this variant may disrupt the consensus splice site. In summary, the available evidence is currently insufficient to determine the role of this variant in disease. Therefore, it has been classified as a Variant of Uncertain Significance.

Literature cited by the submitters: PubMed 17576681; PubMed 9536098.

NM_006939.4(SOS2):c.1196+5T>C

Gene: SOS2 (SOS Ras/Rho guanine nucleotide exchange factor 2; minus strand). Cytogenetic location: 14q21.3.
Variant type: single nucleotide variant.
Coding change: c.1196+5T>C on transcript NM_006939.4 (MANE Select); 5 bases into the intron after coding-DNA position 1196, T replaced by C.
Molecular consequence: intron variant.
Genome position (GRCh38, 1-based): chr14:50,161,477, A>G on the plus strand (T>C on the coding strand, the complement: SOS2 is on the minus strand). VCF-style: chr14-50161477-A-G. GRCh37 (hg19) VCF-style: chr14-50628195-A-G.
Other names: c.1097+5T>C (NM_001411020.1).
Identifiers: ClinVar variation 2719700 (VCV002719700.3), dbSNP rs769785470, ClinGen allele CA7177326.
Genomic context (GRCh38, chr14:50,161,477, plus strand): 5'-AAAACCAGGCATCAGAGACAGCGAAGTAAGCAGAGGCATTCACGTTTTCAACACTTTGGA[A>G]TTACCCAGGTCGACGTCTAGGTGAATACTGCTTGTAAATTCGGTCCATGCTACCTTGGAG-3'